The following is an entry in ClinVar:

NM_024422.6(DSC2):c.743A>G (p.Tyr248Cys)

Gene: DSC2 (desmocollin 2; minus strand). Cytogenetic location: 18q12.1.
Variant type: single nucleotide variant.
Coding change: c.743A>G on transcript NM_024422.6 (MANE Select); coding-DNA position 743, A replaced by G.
Protein change: p.Tyr248Cys; replaces tyrosine 248 with cysteine.
Molecular consequence: missense variant.
Genome position (GRCh38, 1-based): chr18:31,087,701, T>C on the plus strand (A>G on the coding strand, the complement: DSC2 is on the minus strand). VCF-style: chr18-31087701-T-C. GRCh37 (hg19) VCF-style: chr18-28667664-T-C.
Other names: c.314A>G, p.Tyr105Cys (NM_001406506.1, NM_001406507.1); c.743A>G, p.Tyr248Cys (NM_004949.5); short protein forms Y105C, Y248C.
Identifiers: ClinVar variation 4709115 (VCV004709115.1).

ClinVar aggregate classification (germline): Uncertain significance (1 of 4 stars; one submission).

Conditions:
Arrhythmogenic right ventricular dysplasia 11. Also called: ARRHYTHMOGENIC RIGHT VENTRICULAR DYSPLASIA, FAMILIAL, 11; Arrhythmogenic Right Ventricular Dysplasia/Cardiomyopathy11; Arrhythmogenic right ventricular dysplasia 11 with mild palmoplantar keratoderma and woolly hair. Identifiers: MedGen C1864850, MONDO:0012506, OMIM 610476.

Submission:

Labcorp Genetics (formerly Invitae), Labcorp
Classification: Uncertain significance for Arrhythmogenic right ventricular dysplasia 11. Last evaluated: 2025-04-22. Review status: criteria provided, single submitter. Criteria: Invitae Variant Classification Sherloc (09022015). Collection method: clinical testing. Allele origin: germline.
Comment: This sequence change replaces tyrosine, which is neutral and polar, with cysteine, which is neutral and slightly polar, at codon 248 of the DSC2 protein (p.Tyr248Cys). This variant is not present in population databases (gnomAD no frequency). This variant has not been reported in the literature in individuals affected with DSC2-related conditions. Invitae Evidence Modeling of protein sequence and biophysical properties (such as structural, functional, and spatial information, amino acid conservation, physicochemical variation, residue mobility, and thermodynamic stability) indicates that this missense variant is not expected to disrupt DSC2 protein function with a negative predictive value of 80%. In summary, the available evidence is currently insufficient to determine the role of this variant in disease. Therefore, it has been classified as a Variant of Uncertain Significance.